The following is an entry in ClinVar:

NM_000051.4(ATM):c.6260A>C (p.Glu2087Ala)

Genes: ATM (ATM serine/threonine kinase; plus strand), C11orf65 (chromosome 11 open reading frame 65; minus strand). Cytogenetic location: 11q22.3.
Variant type: single nucleotide variant.
Coding change: c.6260A>C on transcript NM_000051.4 (MANE Select); coding-DNA position 6260, A replaced by C.
Protein change: p.Glu2087Ala; replaces glutamic acid 2087 with alanine.
Molecular consequence: missense variant. On other transcripts: intron variant (2).
Genome position (GRCh38, 1-based): chr11:108,317,434, A>C. VCF-style: chr11-108317434-A-C. GRCh37 (hg19) VCF-style: chr11-108188161-A-C.
Other names: c.6260A>C, p.Glu2087Ala (NM_001351834.2); c.641-8363T>G (NM_001330368.2); c.*39-8363T>G (NM_001351110.2); short protein forms E2087A.
Identifiers: ClinVar variation 1999644 (VCV001999644.5), dbSNP rs1565503023, ClinGen allele CA382551882.
Genomic context (GRCh38, chr11:108,317,434, plus strand): 5'-CCTTGCAGAATTTGGGACTCTGCCATATTCTTTCCGTCTATTTAAAAGGATTGGATTATG[A>C]AAATAAAGACTGGTGTCCTGAACTAGAAGAACTTCATTACCAAGCAGCATGGAGGAATAT-3'
Protein context (NP_000042.3, residues 2077-2097): LSVYLKGLDY[Glu2087Ala]NKDWCPELEE

ClinVar aggregate classification (germline): Uncertain significance. Review status: criteria provided, multiple submitters, no conflicts (2 of 4 stars). 2 submissions from 2 submitters: Uncertain significance (2). Last evaluated 2025-01-11.

Conditions:
Ataxia-telangiectasia syndrome (AT). Also called: Ataxia-telangiectasia, complementation group D; AT, COMPLEMENTATION GROUP C; ATAXIA-TELANGIECTASIA, COMPLEMENTATION GROUP A; ATAXIA-TELANGIECTASIA, FRESNO VARIANT; Ataxia-telangiectasia, complementation group E; LOUIS-BAR SYNDROME. Identifiers: Orphanet 100, MedGen C0004135, MONDO:0008840, OMIM 208900.
Hereditary cancer-predisposing syndrome. Also called: Tumor predisposition; Hereditary Cancer Syndrome; Hereditary neoplastic syndrome; Neoplastic Syndromes, Hereditary. Identifiers: Orphanet 140162, MedGen C0027672, MeSH D009386, MONDO:0015356.

Submissions (2):

Ambry Genetics
Classification: Uncertain significance for Hereditary cancer-predisposing syndrome. Last evaluated: 2025-01-11. Review status: criteria provided, single submitter. Criteria: Ambry Variant Classification Scheme 2023. Collection method: clinical testing. Allele origin: germline.
Comment: The p.E2087A variant (also known as c.6260A>C), located in coding exon 42 of the ATM gene, results from an A to C substitution at nucleotide position 6260. The glutamic acid at codon 2087 is replaced by alanine, an amino acid with dissimilar properties. This amino acid position is well conserved in available vertebrate species. In addition, the in silico prediction for this alteration is inconclusive. Based on the available evidence, the clinical significance of this variant remains unclear.

Labcorp Genetics (formerly Invitae), Labcorp
Classification: Uncertain significance for Ataxia-telangiectasia syndrome. Last evaluated: 2023-04-19. Review status: criteria provided, single submitter. Criteria: Invitae Variant Classification Sherloc (09022015). Collection method: clinical testing. Allele origin: germline.
Comment: This sequence change replaces glutamic acid, which is acidic and polar, with alanine, which is neutral and non-polar, at codon 2087 of the ATM protein (p.Glu2087Ala). This variant is not present in population databases (gnomAD no frequency). This variant has not been reported in the literature in individuals affected with ATM-related conditions. ClinVar contains an entry for this variant (Variation ID: 1999644). An algorithm developed to predict the effect of missense changes on protein structure and function (PolyPhen-2) suggests that this variant is likely to be tolerated. In summary, the available evidence is currently insufficient to determine the role of this variant in disease. Therefore, it has been classified as a Variant of Uncertain Significance.